The following is an entry in ClinVar:

ClinVar aggregate classification (germline): Uncertain significance (1 of 4 stars; one submission).

Submission:

GeneDx
Classification: Uncertain significance. Last evaluated: 2022-04-25. Review status: criteria provided, single submitter. Criteria: GeneDx Variant Classification Process June 2021. Collection method: clinical testing. Allele origin: germline. Affected: yes.
Comment: Not observed in large population cohorts (gnomAD); In silico analysis supports that this missense variant has a deleterious effect on protein structure/function; In silico analysis supports a deleterious effect on splicing; Has not been previously published as pathogenic or benign to our knowledge

NM_001375380.1(EBF3):c.635A>T (p.Gln212Leu)

Gene: EBF3 (EBF transcription factor 3; minus strand). Cytogenetic location: 10q26.3.
Variant type: single nucleotide variant.
Coding change: c.635A>T on transcript NM_001375380.1 (MANE Select); coding-DNA position 635, A replaced by T.
Protein change: p.Gln212Leu; replaces glutamine 212 with leucine.
Molecular consequence: missense variant.
Genome position (GRCh38, 1-based): chr10:129,877,769, T>A on the plus strand (A>T on the coding strand, the complement: EBF3 is on the minus strand). VCF-style: chr10-129877769-T-A. GRCh37 (hg19) VCF-style: chr10-131676033-T-A.
Other names: c.635A>T, p.Gln212Leu (NM_001005463.3, NM_001375379.1, NM_001375389.1 and 3 more transcripts); short protein forms Q212L.
Identifiers: ClinVar variation 1678844 (VCV001678844.2), dbSNP rs2134129587, ClinGen allele CA378910220.